The following is an entry in ClinVar:

NM_004187.5(KDM5C):c.3409_3410delinsT (p.Ala1137fs)

Gene: KDM5C (lysine demethylase 5C; minus strand). Cytogenetic location: Xp11.22.
Variant type: Indel.
Coding change: c.3409_3410delinsT on transcript NM_004187.5 (MANE Select); coding-DNA positions 3409 to 3410, GC replaced by T.
Protein change: p.Ala1137fs; shifts the reading frame from alanine 1137.
Molecular consequence: frameshift variant. On other transcripts: non-coding transcript variant (3).
Genome position (GRCh38, 1-based): chrX:53,194,959-53,194,960, GC replaced by A on the plus strand (GC replaced by T on the coding strand, the reverse complement: KDM5C is on the minus strand). VCF-style: chrX-53194959-GC-A. GRCh37 (hg19) VCF-style: chrX-53224141-GC-A.
Other names: c.3208_3209delinsT, p.Ala1070fs (NM_001146702.2); c.3406_3407delinsT, p.Ala1136fs (NM_001282622.3, NM_001353979.2, NM_001353982.2); c.3409_3410delinsT, p.Ala1137fs (NM_001353978.3, NM_001353981.2, NM_001353984.2); short protein forms A1137fs, A1070fs, A1136fs.
Identifiers: ClinVar variation 2045699 (VCV002045699.4), dbSNP rs2519380176, ClinGen allele CA2580101180.

ClinVar aggregate classification (germline): Pathogenic (1 of 4 stars; one submission).

Conditions:
Spastic paraplegia. Identifiers: MedGen C0037772, HP:0001258.

Submission:

Labcorp Genetics (formerly Invitae), Labcorp
Classification: Pathogenic for Spastic paraplegia. Last evaluated: 2021-12-17. Review status: criteria provided, single submitter. Criteria: Invitae Variant Classification Sherloc (09022015). Collection method: clinical testing. Allele origin: germline.
Comment: For these reasons, this variant has been classified as Pathogenic. This variant has not been reported in the literature in individuals affected with KDM5C-related conditions. This variant is not present in population databases (gnomAD no frequency). This sequence change creates a premature translational stop signal (p.Ala1137Cysfs*10) in the KDM5C gene. It is expected to result in an absent or disrupted protein product. Loss-of-function variants in KDM5C are known to be pathogenic (PMID: 15586325, 18697827).

Literature cited by the submitters: PubMed 15586325; PubMed 18697827.